The following is an entry in ClinVar:

ClinVar aggregate classification (germline): Uncertain significance (1 of 4 stars; one submission).

Conditions:
Developmental and epileptic encephalopathy, 33 (DEE33). Also called: Epileptic encephalopathy, early infantile, 33. Identifiers: Orphanet 442835, MedGen C4225337, MONDO:0014625, OMIM 616409.

Allele frequency attached by ClinVar (database versions not stated): gnomAD exomes below 0.00001; gnomAD 0.00001.
gnomAD v4.1: 5 of 1,612,532 alleles (0.00031%); highest among the groups gnomAD compares: Admixed American, 0.0017%; no homozygotes.

Submission:

Labcorp Genetics (formerly Invitae), Labcorp
Classification: Uncertain significance for Developmental and epileptic encephalopathy, 33. Last evaluated: 2023-12-05. Review status: criteria provided, single submitter. Criteria: Invitae Variant Classification Sherloc (09022015). Collection method: clinical testing. Allele origin: germline.
Comment: This sequence change replaces valine, which is neutral and non-polar, with methionine, which is neutral and non-polar, at codon 188 of the EEF1A2 protein (p.Val188Met). This variant is not present in population databases (gnomAD no frequency). This variant has not been reported in the literature in individuals affected with EEF1A2-related conditions. Advanced modeling of protein sequence and biophysical properties (such as structural, functional, and spatial information, amino acid conservation, physicochemical variation, residue mobility, and thermodynamic stability) performed at Invitae indicates that this missense variant is not expected to disrupt EEF1A2 protein function with a negative predictive value of 80%. In summary, the available evidence is currently insufficient to determine the role of this variant in disease. Therefore, it has been classified as a Variant of Uncertain Significance.

NM_001958.5(EEF1A2):c.562G>A (p.Val188Met)

Genes: EEF1A2 (eukaryotic translation elongation factor 1 alpha 2; minus strand), LOC132090595 (Neanderthal introgressed variant-containing enhancer experimental_60987; plus strand). Cytogenetic location: 20q13.33.
Variant type: single nucleotide variant.
Coding change: c.562G>A on transcript NM_001958.5 (MANE Select); coding-DNA position 562, G replaced by A.
Protein change: p.Val188Met; replaces valine 188 with methionine.
Molecular consequence: missense variant.
Genome position (GRCh38, 1-based): chr20:63,494,864, C>T on the plus strand (G>A on the coding strand, the complement: EEF1A2 is on the minus strand). VCF-style: chr20-63494864-C-T. GRCh37 (hg19) VCF-style: chr20-62126217-C-T.
Other names: short protein forms V188M.
Identifiers: ClinVar variation 2724413 (VCV002724413.3), dbSNP rs2082409352, ClinGen allele CA409649382.